The following is an entry in ClinVar:

ClinVar aggregate classification (germline): Benign/Likely benign. Review status: criteria provided, multiple submitters, no conflicts (2 of 4 stars). 9 submissions from 9 submitters: Benign (4); Likely benign (4). 1 of the submissions does not count toward it. Last evaluated 2026-08-01.

Conditions:
Coffin-Siris syndrome. Identifiers: Orphanet 1465, MedGen C0265338, MONDO:0015452.
Hereditary cancer-predisposing syndrome. Also called: Tumor predisposition; Neoplastic Syndromes, Hereditary; Hereditary neoplastic syndrome; Hereditary Cancer Syndrome. Identifiers: Orphanet 140162, MedGen C0027672, MeSH D009386, MONDO:0015356.
Rhabdoid tumor predisposition syndrome 2 (RTPS2). Identifiers: Orphanet 231108, Orphanet 69077, MedGen C2750074, MONDO:0013224, OMIM 613325.
Intellectual disability, autosomal dominant 16 (CSS4). Also called: COFFIN-SIRIS SYNDROME 4. Identifiers: Orphanet 1465, MedGen C3553249, MONDO:0013821, OMIM 614609.
SMARCA4-related disorder. Also called: SMARCA4-related condition.

Allele frequency attached by ClinVar (database versions not stated): gnomAD 0.00015 and 0.00009; ExAC 0.00044; 1000 Genomes Project 30x 0.00062; gnomAD exomes 0.00034 and 0.00036; TOPMed 0.00010; 1000 Genomes Project 0.00040; ESP Exome Variant Server 0.00023.
gnomAD v4.1: 540 of 1,612,454 alleles (0.033%); highest among the groups gnomAD compares: South Asian, 0.18%; 2 homozygotes.

Submissions (9):

CeGaT Center for Human Genetics Tuebingen
Classification: Likely benign. Last evaluated: 2026-08-01. Review status: criteria provided, single submitter. Criteria: CeGaT Center For Human Genetics Tuebingen Variant Classification Criteria Version 2. Collection method: clinical testing. Allele origin: germline. Affected: yes. Observed: 4 variant alleles.
Comment: SMARCA4: BP4, BP7, BS1

Myriad Genetics, Inc.
Classification: Benign for Rhabdoid tumor predisposition syndrome 2. Last evaluated: 2026-07-16. Review status: criteria provided, single submitter. Criteria: Myriad Autosomal Dominant, Autosomal Recessive and X-Linked Classification Criteria (2023). Collection method: clinical testing. Allele origin: unknown.
Comment: This variant is considered benign. This variant is a silent/synonymous amino acid change and it is not expected to impact splicing.

Labcorp Genetics (formerly Invitae), Labcorp
Classification: Benign for Rhabdoid tumor predisposition syndrome 2. Last evaluated: 2026-02-02. Review status: criteria provided, single submitter. Criteria: Invitae Variant Classification Sherloc (09022015). Collection method: clinical testing. Allele origin: germline.

Genome-Nilou Lab
Classification: Benign for Intellectual disability, autosomal dominant 16. Last evaluated: 2021-07-15. Review status: criteria provided, single submitter. Criteria: ACMG Guidelines, 2015. Collection method: clinical testing. Allele origin: germline. Affected: no.

GeneDx
Classification: Likely benign. Last evaluated: 2021-06-21. Review status: criteria provided, single submitter. Criteria: GeneDx Variant Classification Process June 2021. Collection method: clinical testing. Allele origin: germline. Affected: yes.

Sema4
Classification: Likely benign for Hereditary cancer-predisposing syndrome. Last evaluated: 2020-10-01. Review status: criteria provided, single submitter. Criteria: Sema4 Curation Guidelines. Collection method: curation. Allele origin: germline.

Illumina Laboratory Services, Illumina
Classification: Benign for Coffin-Siris syndrome. Last evaluated: 2018-01-13. Review status: criteria provided, single submitter. Criteria: ICSL Variant Classification Criteria 13 December 2019. Collection method: clinical testing. Allele origin: germline.
Comment: This variant was observed in the ICSL laboratory as part of a predisposition screen in an ostensibly healthy population. It had not been previously curated by ICSL or reported in the Human Gene Mutation Database (HGMD: prior to June 1st, 2018), and was therefore a candidate for classification through an automated scoring system. Utilizing variant allele frequency, disease prevalence and penetrance estimates, and inheritance mode, an automated score was calculated to assess if this variant is too frequent to cause the disease. Based on the score and internal cut-off values, a variant classified as benign is not then subjected to further curation. The score for this variant resulted in a classification of benign for this disease.

Ambry Genetics
Classification: Likely benign for Hereditary cancer-predisposing syndrome. Last evaluated: 2015-11-13. Review status: criteria provided, single submitter. Criteria: Ambry Variant Classification Scheme 2023. Collection method: clinical testing. Allele origin: germline.

PreventionGenetics, part of Exact Sciences
Classification: Likely benign for SMARCA4-related condition. Last evaluated: 2021-10-20. Review status: no assertion criteria provided. Collection method: clinical testing. Allele origin: germline. Not counted in ClinVar's aggregate classification.
Comment: This variant is classified as likely benign based on ACMG/AMP sequence variant interpretation guidelines (Richards et al. 2015 PMID: 25741868, with internal and published modifications).

NM_003072.5(SMARCA4):c.4293C>T (p.Arg1431=)

Gene: SMARCA4 (SWI/SNF related BAF chromatin remodeling complex subunit ATPase 4; plus strand). Cytogenetic location: 19p13.2.
Variant type: single nucleotide variant.
Coding change: c.4293C>T on transcript NM_003072.5 (MANE Select); coding-DNA position 4293, C replaced by T.
Protein change: p.Arg1431=; no amino-acid change (arginine 1431 retained).
Molecular consequence: synonymous variant. On other transcripts: non-coding transcript variant (1).
Genome position (GRCh38, 1-based): chr19:11,041,429, C>T. VCF-style: chr19-11041429-C-T. GRCh37 (hg19) VCF-style: chr19-11152105-C-T.
Other names: c.4293C>T, p.Arg1431= (NM_001128844.3); c.4203C>T, p.Arg1401= (NM_001128845.2, NM_001128846.2); c.4194C>T, p.Arg1398= (NM_001128847.4, NM_001128848.2, NM_001374457.1); c.4389C>T, p.Arg1463= (NM_001128849.3, NM_001387283.1).
Identifiers: ClinVar variation 328040 (VCV000328040.48), dbSNP rs149670457, ClinGen allele CA9204693.